The following is an entry in ClinVar:

NM_138422.4(ADAT3):c.338C>G (p.Ala113Gly)

Genes: ADAT3 (adenosine deaminase tRNA specific 3; plus strand), SCAMP4 (secretory carrier membrane protein 4; plus strand). Cytogenetic location: 19p13.3.
Variant type: single nucleotide variant.
Coding change: c.338C>G on transcript NM_138422.4 (MANE Select); coding-DNA position 338, C replaced by G.
Protein change: p.Ala113Gly; replaces alanine 113 with glycine.
Molecular consequence: missense variant. On other transcripts: intron variant (3).
Genome position (GRCh38, 1-based): chr19:1,912,385, C>G. VCF-style: chr19-1912385-C-G. GRCh37 (hg19) VCF-style: chr19-1912384-C-G.
Other names: c.290C>G, p.Ala97Gly (NM_001329533.2); c.-41-2594C>G (NM_079834.4, NM_001329540.2); c.-125-5309C>G (NM_001329539.2); short protein forms A97G, A113G.
Identifiers: ClinVar variation 1032418 (VCV001032418.1), dbSNP rs2013509956, ClinGen allele CA403170942.

ClinVar aggregate classification (germline): Uncertain significance (1 of 4 stars; one submission).

Conditions:
Intellectual disability-strabismus syndrome (NEDBGF). Also called: NEURODEVELOPMENTAL DISORDER WITH BRAIN ABNORMALITIES, POOR GROWTH, AND DYSMORPHIC FACIES. Identifiers: Orphanet 363528, MedGen C4750838, MONDO:0014119, OMIM 615286.

Allele frequency attached by ClinVar (database versions not stated): TOPMed below 0.00001.
gnomAD v4.1: 2 of 1,519,622 alleles (0.00013%); highest among the groups gnomAD compares: Non-Finnish European, 0.00018%; no homozygotes.

Submission:

Baylor Genetics
Classification: Uncertain significance for Intellectual disability-strabismus syndrome. Last evaluated: 2018-04-18. Review status: criteria provided, single submitter. Criteria: ACMG Guidelines, 2015. Collection method: clinical testing. Allele origin: paternal. Affected: yes.
Comment: This variant was determined to be of uncertain significance according to ACMG Guidelines, 2015 [PMID:25741868].